The following is an entry in ClinVar:

NM_032638.5(GATA2):c.416_417del (p.Ser139fs)

Gene: GATA2 (GATA binding protein 2; minus strand). Cytogenetic location: 3q21.3.
Variant type: Microsatellite.
Coding change: c.416_417del on transcript NM_032638.5 (MANE Select); coding-DNA positions 416 to 417, 2 bases deleted (CT; older notation c.416_417delCT).
Protein change: p.Ser139fs; shifts the reading frame from serine 139.
Molecular consequence: frameshift variant.
Genome position (GRCh38, 1-based): chr3:128,486,181-128,486,182, AG deleted on the plus strand (CT on the coding strand, the reverse complement: GATA2 is on the minus strand); deleting any 2 consecutive bases within chr3:128,486,181-128,486,186 gives the same sequence; the c. name uses the placement nearest the transcript's 3' end. VCF-style (leftmost placement, unchanged base first): chr3-128486180-CAG-C. GRCh37 (hg19) VCF-style: chr3-128205023-CAG-C.
Other names: c.416_417del, p.Ser139fs (NM_001145661.2, NM_001145662.1); c.416_417del (NM_032638.4); short protein forms S139fs.
Identifiers: ClinVar variation 1184206 (VCV001184206.2), dbSNP rs2107672708, ClinGen allele CA645523651.
Genomic context (GRCh38, chr3:128,486,180, plus strand): 5'-TGAGGGAGGCCACTGAGCTCCCGCTGCCTCCCCCGCTCCCACCCCCAGCCCCTGGGTACA[CAG>C]AGAGTGGGCCTCCAGGGCCTCCAGCAGCTGAGGGGTGCAGTGGCGTCTTGGAGAAGGGGC-3'

ClinVar aggregate classification (germline): Pathogenic. Review status: criteria provided, multiple submitters, no conflicts (2 of 4 stars). 2 submissions from 2 submitters: Pathogenic (2). Last evaluated 2023-11-30.

Conditions:
Deafness-lymphedema-leukemia syndrome. Also called: Emberger syndrome; Lymphedema, primary, with myelodysplasia. Identifiers: Orphanet 3226, MedGen C3279664, MONDO:0013540, OMIM 614038.
GATA2 deficiency with susceptibility to MDS/AML. Identifiers: MedGen CN300066, MONDO:0042982.

Submissions (2):

GeneDx
Classification: Pathogenic. Last evaluated: 2023-11-30. Review status: criteria provided, single submitter. Criteria: GeneDx Variant Classification Process June 2021. Collection method: clinical testing. Allele origin: germline. Affected: yes.
Comment: Frameshift variant predicted to result in protein truncation or nonsense mediated decay in a gene for which loss of function is a known mechanism of disease; Not observed at significant frequency in large population cohorts (gnomAD); This variant is associated with the following publications: (PMID: 26702063, 34387894, 29906059)

Molecular Pathology Research Laboratory, SA Pathology
Classification: Pathogenic for GATA2 deficiency with susceptibility to MDS/AML; Deafness-lymphedema-leukemia syndrome. Last evaluated: 2021-07-06. Review status: criteria provided, single submitter. Criteria: ACMG Guidelines, 2015. Collection method: curation. Allele origin: unknown. Inheritance: Autosomal dominant inheritance. Affected: yes. Observed: 1 variant allele.
Comment: PVS1, PS4_Supporting, PM2

Literature cited by the submitters: PubMed 26702063 (cited by Molecular Pathology Research Laboratory, SA Pathology).